The following is an entry in ClinVar:

ClinVar aggregate classification (germline): Uncertain significance (1 of 4 stars; one submission).

Conditions:
Arrhythmogenic cardiomyopathy with wooly hair and keratoderma. Also called: Arrhythmogenic cardiomyopathy with woolly hair and keratoderma; PALMOPLANTAR KERATODERMA WITH LEFT VENTRICULAR CARDIOMYOPATHY AND WOOLLY HAIR; Dilated cardiomyopathy with woolly hair and keratoderma; Carvajal syndrome. Identifiers: Orphanet 65282, MedGen C1854063, MONDO:0011581, OMIM 605676.
Arrhythmogenic right ventricular dysplasia 8 (ARVD8). Also called: Arrhythmogenic Right Ventricular Dysplasia/Cardiomyopathy 8; ARRHYTHMOGENIC RIGHT VENTRICULAR DYSPLASIA, FAMILIAL, 8; ARRHYTHMOGENIC RIGHT VENTRICULAR CARDIOMYOPATHY 8. Identifiers: MedGen C1843896, MONDO:0011831, OMIM 607450.

Submission:

Labcorp Genetics (formerly Invitae), Labcorp
Classification: Uncertain significance for Arrhythmogenic cardiomyopathy with wooly hair and keratoderma; Arrhythmogenic right ventricular dysplasia 8. Last evaluated: 2021-10-05. Review status: criteria provided, single submitter. Criteria: Invitae Variant Classification Sherloc (09022015). Collection method: clinical testing. Allele origin: germline.
Comment: In summary, the available evidence is currently insufficient to determine the role of this variant in disease. Therefore, it has been classified as a Variant of Uncertain Significance. Algorithms developed to predict the effect of missense changes on protein structure and function are either unavailable or do not agree on the potential impact of this missense change (SIFT: "Tolerated"; PolyPhen-2: "Probably Damaging"; Align-GVGD: "Class C0"). This variant has not been reported in the literature in individuals affected with DSP-related conditions. This variant is not present in population databases (ExAC no frequency). This sequence change replaces lysine with arginine at codon 567 of the DSP protein (p.Lys567Arg). The lysine residue is highly conserved and there is a small physicochemical difference between lysine and arginine.

NM_004415.4(DSP):c.1700A>G (p.Lys567Arg)

Gene: DSP (desmoplakin; plus strand). Cytogenetic location: 6p24.3.
Variant type: single nucleotide variant.
Coding change: c.1700A>G on transcript NM_004415.4 (MANE Select); coding-DNA position 1700, A replaced by G.
Protein change: p.Lys567Arg; replaces lysine 567 with arginine.
Molecular consequence: missense variant.
Genome position (GRCh38, 1-based): chr6:7,570,562, A>G. VCF-style: chr6-7570562-A-G. GRCh37 (hg19) VCF-style: chr6-7570795-A-G.
Other names: c.1700A>G, p.Lys567Arg (NM_001008844.3, NM_001319034.2); short protein forms K567R.
Identifiers: ClinVar variation 1483176 (VCV001483176.6), dbSNP rs2113677553, ClinGen allele CA362678537.